The following is an entry in ClinVar:

ClinVar aggregate classification (germline): Uncertain significance (1 of 4 stars; one submission).

Submission:

GeneDx
Classification: Uncertain significance. Last evaluated: 2025-05-21. Review status: criteria provided, single submitter. Criteria: GeneDx Variant Classification Process June 2021. Collection method: clinical testing. Allele origin: germline. Affected: yes.
Comment: Not observed at significant frequency in large population cohorts (gnomAD); Has not been previously published as pathogenic or benign to our knowledge; Frameshift variant predicted to result in abnormal protein length as the last 80 amino acids are replaced with 51 different amino acids with an unclear effect on protein function

NM_052867.4(NALCN):c.4968_4974dup (p.Asp1659fs)

Genes: NALCN (sodium leak channel, non-selective; minus strand), NALCN-AS1 (NALCN antisense RNA 1; plus strand). Cytogenetic location: 13q32.3.
Variant type: Duplication.
Coding change: c.4968_4974dup on transcript NM_052867.4 (MANE Select); coding-DNA positions 4968 to 4974, 7 bases duplicated (TGCAGCC; older notation c.4968_4974dupTGCAGCC).
Protein change: p.Asp1659fs; shifts the reading frame from aspartic acid 1659.
Molecular consequence: frameshift variant. On other transcripts: non-coding transcript variant (1).
Genome position (GRCh38, 1-based): chr13:101,057,988-101,057,994, GGCTGCA duplicated on the plus strand (TGCAGCC on the coding strand, the reverse complement: NALCN is on the minus strand). VCF-style (leftmost placement, unchanged base first): chr13-101057987-C-CGGCTGCA. GRCh37 (hg19) VCF-style: chr13-101710339-C-CGGCTGCA.
Other names: c.5055_5061dup, p.Asp1688fs (NM_001350748.2); c.4968_4974dup, p.Asp1659fs (NM_001350749.2); c.4881_4887dup, p.Asp1630fs (NM_001350750.2, NM_001350751.2); short protein forms D1630fs, D1659fs, D1688fs.
Identifiers: ClinVar variation 4530710 (VCV004530710.1).